The following is an entry in ClinVar:

ClinVar aggregate classification (germline): Uncertain significance (1 of 4 stars; one submission).

Conditions:
Neuroblastoma, susceptibility to, 3. Also called: ALK-Related Neuroblastic Tumor Susceptibility. Identifiers: Orphanet 635, MedGen C2751681, MONDO:0013083, OMIM 613014.

Submission:

Labcorp Genetics (formerly Invitae), Labcorp
Classification: Uncertain significance for Neuroblastoma, susceptibility to, 3. Last evaluated: 2020-01-17. Review status: criteria provided, single submitter. Criteria: Invitae Variant Classification Sherloc (09022015). Collection method: clinical testing. Allele origin: germline.
Comment: In summary, the available evidence is currently insufficient to determine the role of this variant in disease. Therefore, it has been classified as a Variant of Uncertain Significance. Algorithms developed to predict the effect of missense changes on protein structure and function do not agree on the potential impact of this missense change (SIFT: "Deleterious"; PolyPhen-2: "Possibly Damaging"; Align-GVGD: "Class C0"). This variant has not been reported in the literature in individuals with ALK-related disease. This variant is not present in population databases (ExAC no frequency). This sequence change replaces alanine with proline at codon 518 of the ALK protein (p.Ala518Pro). The alanine residue is highly conserved and there is a small physicochemical difference between alanine and proline.

NM_004304.5(ALK):c.1552G>C (p.Ala518Pro)

Gene: ALK (ALK receptor tyrosine kinase; minus strand). Cytogenetic location: 2p23.2.
Variant type: single nucleotide variant.
Coding change: c.1552G>C on transcript NM_004304.5 (MANE Select); coding-DNA position 1552, G replaced by C.
Protein change: p.Ala518Pro; replaces alanine 518 with proline.
Molecular consequence: missense variant.
Genome position (GRCh38, 1-based): chr2:29,318,399, C>G on the plus strand (G>C on the coding strand, the complement: ALK is on the minus strand). VCF-style: chr2-29318399-C-G. GRCh37 (hg19) VCF-style: chr2-29541265-C-G.
Other names: short protein forms A518P.
Identifiers: ClinVar variation 999264 (VCV000999264.8), dbSNP rs1666897900, ClinGen allele CA346471454.
Genomic context (GRCh38, chr2:29,318,399, plus strand): 5'-TAGCACTGGTCACTGTAGCACTTTCAGAAGCGGGGACATCAGTGGTACTGAGCAATAGAG[C>G]ATGGTCTAGGAGAGAGGAAAAGAATCACAAGCACGCCATTATCAGGAACTGGGGGACCAG-3'
Protein context (NP_004295.2, residues 508-528): DARFQDHQDH[Ala518Pro]LLLSTTDVPA